The following is an entry in ClinVar:

NM_004239.4(TRIP11):c.4805C>T (p.Ala1602Val)

Gene: TRIP11 (thyroid hormone receptor interactor 11; minus strand). Cytogenetic location: 14q32.12.
Variant type: single nucleotide variant.
Coding change: c.4805C>T on transcript NM_004239.4 (MANE Select); coding-DNA position 4805, C replaced by T.
Protein change: p.Ala1602Val; replaces alanine 1602 with valine.
Molecular consequence: missense variant.
Genome position (GRCh38, 1-based): chr14:91,999,327, G>A on the plus strand (C>T on the coding strand, the complement: TRIP11 is on the minus strand). VCF-style: chr14-91999327-G-A. GRCh37 (hg19) VCF-style: chr14-92465671-G-A.
Other names: c.4802C>T, p.Ala1601Val (NM_001321851.1); short protein forms A1601V, A1602V.
Identifiers: ClinVar variation 1396931 (VCV001396931.6), dbSNP rs1012136976, ClinGen allele CA265603728.

ClinVar aggregate classification (germline): Uncertain significance (1 of 4 stars; one submission).

Conditions:
Achondrogenesis, type IA (ACG1A). Identifiers: Orphanet 932, Orphanet 93299, MedGen C0265273, MONDO:0008701, OMIM 200600.

Allele frequency attached by ClinVar (database versions not stated): gnomAD exomes below 0.00001; gnomAD 0.00001; TOPMed 0.00001.
gnomAD v4.1: 5 of 1,613,734 alleles (0.00031%); highest among the groups gnomAD compares: Admixed American, 0.0017%; no homozygotes.

Submission:

Labcorp Genetics (formerly Invitae), Labcorp
Classification: Uncertain significance for Achondrogenesis, type IA. Last evaluated: 2022-05-12. Review status: criteria provided, single submitter. Criteria: Invitae Variant Classification Sherloc (09022015). Collection method: clinical testing. Allele origin: germline.
Comment: This sequence change replaces alanine, which is neutral and non-polar, with valine, which is neutral and non-polar, at codon 1602 of the TRIP11 protein (p.Ala1602Val). This variant is present in population databases (no rsID available, gnomAD 0.0009%). This variant has not been reported in the literature in individuals affected with TRIP11-related conditions. Algorithms developed to predict the effect of missense changes on protein structure and function are either unavailable or do not agree on the potential impact of this missense change (SIFT: "Not Available"; PolyPhen-2: "Benign"; Align-GVGD: "Not Available"). In summary, the available evidence is currently insufficient to determine the role of this variant in disease. Therefore, it has been classified as a Variant of Uncertain Significance.